The following is an entry in ClinVar:

NM_004174.4(SLC9A3):c.914C>T (p.Ser305Leu)

Gene: SLC9A3 (solute carrier family 9 member A3). Cytogenetic location: 5p15.33.
Variant type: single nucleotide variant.
Coding change: c.914C>T on transcript NM_004174.4 (MANE Select); coding-DNA position 914, C replaced by T.
Protein change: p.Ser305Leu; replaces serine 305 with leucine.
Molecular consequence: missense variant.
Genome position (GRCh38, 1-based): chr5:484,538, G>A on the plus strand (C>T on the coding strand, the complement: SLC9A3 is on the minus strand). VCF-style: chr5-484538-G-A. GRCh37 (hg19) VCF-style: chr5-484653-G-A.
Other names: c.914C>T, p.Ser305Leu (NM_001284351.3); short protein forms S305L.
Identifiers: ClinVar variation 996652 (VCV000996652.8), dbSNP rs1456737648, ClinGen allele CA359028409.

ClinVar aggregate classification (germline): Uncertain significance. Review status: criteria provided, single submitter (1 of 4 stars). 2 submissions from 2 submitters: Uncertain significance (1). 1 of the submissions does not count toward it. Last evaluated 2022-05-09.

Conditions:
Autism spectrum disorder. Also called: Autism spectrum disorders. Identifiers: MedGen C1510586, MeSH D000067877, MONDO:0005258.

Allele frequency attached by ClinVar (database versions not stated): gnomAD exomes below 0.00001; TOPMed 0.00002.

Submissions (2):

Labcorp Genetics (formerly Invitae), Labcorp
Classification: Uncertain significance. Last evaluated: 2022-05-09. Review status: criteria provided, single submitter. Criteria: Invitae Variant Classification Sherloc (09022015). Collection method: clinical testing. Allele origin: germline.
Comment: This sequence change replaces serine, which is neutral and polar, with leucine, which is neutral and non-polar, at codon 305 of the SLC9A3 protein (p.Ser305Leu). This variant is not present in population databases (gnomAD no frequency). This variant has not been reported in the literature in individuals affected with SLC9A3-related conditions. ClinVar contains an entry for this variant (Variation ID: 996652). Algorithms developed to predict the effect of missense changes on protein structure and function are either unavailable or do not agree on the potential impact of this missense change (SIFT: "Not Available"; PolyPhen-2: "Possibly Damaging"; Align-GVGD: "Not Available"). In summary, the available evidence is currently insufficient to determine the role of this variant in disease. Therefore, it has been classified as a Variant of Uncertain Significance.

University of Washington Center for Mendelian Genomics, University of Washington
Classification: association for Autism spectrum disorder. Review status: no assertion criteria provided. Collection method: research. Allele origin: de novo. Affected: yes. Not counted in ClinVar's aggregate classification.

Literature cited by the submitters: PubMed 30504930 (cited by University of Washington Center for Mendelian Genomics, University of Washington).